The following is an entry in ClinVar:

NM_002972.4(SBF1):c.3724_3726del (p.Glu1242del)

Gene: SBF1 (SET binding factor 1; minus strand). Cytogenetic location: 22q13.33.
Variant type: Deletion.
Coding change: c.3724_3726del on transcript NM_002972.4 (MANE Select); coding-DNA positions 3724 to 3726, 3 bases deleted (GAG; older notation c.3724_3726delGAG).
Protein change: p.Glu1242del; deletes glutamic acid 1242.
Molecular consequence: inframe deletion. On other transcripts: inframe indel (3).
Genome position (GRCh38, 1-based): chr22:50,459,355-50,459,357, CTC deleted on the plus strand (GAG on the coding strand, the reverse complement: SBF1 is on the minus strand); deleting any 3 consecutive bases within chr22:50,459,355-50,459,359 gives the same sequence; the c. name uses the placement nearest the transcript's 3' end. VCF-style (leftmost placement, unchanged base first): chr22-50459354-TCTC-T. GRCh37 (hg19) VCF-style: chr22-50897783-TCTC-T.
Other names: c.3727_3729del, p.Glu1243del (NM_001365819.1); c.3725_3727delAGG, p.Glu1243del (NM_001410794.1); c.3722_3724delAGG, p.Glu1242del (NM_001410795.1, NM_197971.1); short protein forms E1242del, E1243del.
Identifiers: ClinVar variation 2414566 (VCV002414566.4), dbSNP rs758613709, ClinGen allele CA10316592.

ClinVar aggregate classification (germline): Uncertain significance (1 of 4 stars; one submission).

Submission:

Labcorp Genetics (formerly Invitae), Labcorp
Classification: Uncertain significance. Last evaluated: 2022-05-22. Review status: criteria provided, single submitter. Criteria: Invitae Variant Classification Sherloc (09022015). Collection method: clinical testing. Allele origin: germline.
Comment: In summary, the available evidence is currently insufficient to determine the role of this variant in disease. Therefore, it has been classified as a Variant of Uncertain Significance. Experimental studies and prediction algorithms are not available or were not evaluated, and the functional significance of this variant is currently unknown. This variant has not been reported in the literature in individuals affected with SBF1-related conditions. This variant is present in population databases (rs758613709, gnomAD 0.01%). This variant, c.3724_3726del, results in the deletion of 1 amino acid(s) of the SBF1 protein (p.Glu1242del), but otherwise preserves the integrity of the reading frame.